The following is an entry in ClinVar:

ClinVar aggregate classification (germline): Pathogenic (1 of 4 stars; one submission).

Submission:

Labcorp Genetics (formerly Invitae), Labcorp
Classification: Pathogenic. Last evaluated: 2023-09-18. Review status: criteria provided, single submitter. Criteria: Invitae Variant Classification Sherloc (09022015). Collection method: clinical testing. Allele origin: germline.
Comment: This sequence change creates a premature translational stop signal (p.Phe668Leufs*25) in the ADGRV1 gene. It is expected to result in an absent or disrupted protein product. Loss-of-function variants in ADGRV1 are known to be pathogenic (PMID: 19357117, 22135276, 22147658, 26226137, 30718709, 31047384, 32467589). This variant is not present in population databases (gnomAD no frequency). This variant has not been reported in the literature in individuals affected with ADGRV1-related conditions. For these reasons, this variant has been classified as Pathogenic.

Literature cited by the submitters: PubMed 19357117; PubMed 22135276; PubMed 22147658; PubMed 26226137; PubMed 30718709; PubMed 31047384; PubMed 32467589.

NM_032119.4(ADGRV1):c.2004del (p.Phe668fs)

Gene: ADGRV1 (adhesion G protein-coupled receptor V1; plus strand). Cytogenetic location: 5q14.3.
Variant type: Deletion.
Coding change: c.2004del on transcript NM_032119.4 (MANE Select); coding-DNA position 2004, one base deleted (T; older notation c.2004delT).
Protein change: p.Phe668fs; shifts the reading frame from phenylalanine 668.
Molecular consequence: frameshift variant. On other transcripts: non-coding transcript variant (1).
Genome position (GRCh38, 1-based): chr5:90,635,278, T deleted; the last of 4 consecutive T bases (chr5:90,635,275-90,635,278); deleting any one gives the same sequence. VCF-style (leftmost placement, unchanged base first): chr5-90635274-AT-A. GRCh37 (hg19) VCF-style: chr5-89931091-AT-A.
Other names: short protein forms F668fs.
Identifiers: ClinVar variation 2761139 (VCV002761139.3), dbSNP rs2531902012, ClinGen allele CA2674562593.